The following is an entry in ClinVar:

ClinVar aggregate classification (germline): Uncertain significance. Review status: criteria provided, multiple submitters, no conflicts (2 of 4 stars). 2 submissions from 2 submitters: Uncertain significance (2). Last evaluated 2024-02-02.

Conditions:
Hereditary cancer-predisposing syndrome. Also called: Hereditary neoplastic syndrome; Neoplastic Syndromes, Hereditary; Tumor predisposition; Hereditary Cancer Syndrome. Identifiers: Orphanet 140162, MedGen C0027672, MeSH D009386, MONDO:0015356.
Tuberous sclerosis syndrome (TSC). Also called: Tuberous Sclerosis Complex; Tuberous sclerosis. Identifiers: Orphanet 805, MedGen C0041341, MONDO:0001734.

Submissions (2):

Ambry Genetics
Classification: Uncertain significance for Hereditary cancer-predisposing syndrome. Last evaluated: 2024-02-02. Review status: criteria provided, single submitter. Criteria: Ambry Variant Classification Scheme 2023. Collection method: clinical testing. Allele origin: germline.
Comment: The p.K1585N variant (also known as c.4755G>C), located in coding exon 36 of the TSC2 gene, results from a G to C substitution at nucleotide position 4755. The lysine at codon 1585 is replaced by asparagine, an amino acid with similar properties. This amino acid position is conserved. In addition, the in silico prediction for this alteration is inconclusive. Based on the available evidence, the clinical significance of this alteration remains unclear.

All of Us Research Program, National Institutes of Health
Classification: Uncertain significance for Tuberous sclerosis syndrome. Last evaluated: 2023-08-15. Review status: criteria provided, single submitter. Criteria: ACMG Guidelines, 2015. Collection method: clinical testing. Allele origin: germline. Inheritance: Autosomal dominant inheritance. Observed: 1 variant allele, 1 heterozygote.
Comment: This missense variant replaces lysine with asparagine at codon 1585 of the TSC2 protein. Computational prediction suggests that this variant may have deleterious impact on protein structure and function (internally defined REVEL score threshold >= 0.7, PMID: 27666373). To our knowledge, functional studies have not been reported for this variant. This variant has not been reported in individuals affected with TSC2-related disorders in the literature. This variant has not been identified in the general population by the Genome Aggregation Database (gnomAD). The available evidence is insufficient to determine the role of this variant in disease conclusively. Therefore, this variant is classified as a Variant of Uncertain Significance.

This study involves interpretation of variants in research participants for the purpose of population health screening. Participant phenotype was not available at the time of variant classification. Additional details can be found in publication PMID: 35346344, PMCID: PMC8962531

NM_000548.5(TSC2):c.4755G>C (p.Lys1585Asn)

Gene: TSC2 (TSC complex subunit 2; plus strand). Cytogenetic location: 16p13.3.
Variant type: single nucleotide variant.
Coding change: c.4755G>C on transcript NM_000548.5 (MANE Select); coding-DNA position 4755, G replaced by C.
Protein change: p.Lys1585Asn; replaces lysine 1585 with asparagine.
Molecular consequence: missense variant. On other transcripts: non-coding transcript variant (5).
Genome position (GRCh38, 1-based): chr16:2,086,285, G>C. VCF-style: chr16-2086285-G-C. GRCh37 (hg19) VCF-style: chr16-2136286-G-C.
Other names: c.4686G>C, p.Lys1562Asn (NM_001114382.3); c.4647G>C, p.Lys1549Asn (NM_001406667.1); c.4644G>C, p.Lys1548Asn (NM_001406668.1); c.4575G>C, p.Lys1525Asn (NM_001406670.1); c.4545G>C, p.Lys1515Asn (NM_001406671.1); c.4542G>C, p.Lys1514Asn (NM_001406673.1); c.4536G>C, p.Lys1512Asn (NM_001406676.1); c.4539G>C, p.Lys1513Asn (NM_001406675.1); and 26 more; short protein forms K1070N, K1071N, K1093N, K1094N, K1114N, K1318N, K1319N, K1341N.
Identifiers: ClinVar variation 3072884 (VCV003072884.2), dbSNP rs2090778953, ClinGen allele CA394307781.